The following is an entry in ClinVar:

ClinVar aggregate classification (germline): Pathogenic. Review status: criteria provided, multiple submitters, no conflicts (2 of 4 stars). 2 submissions from 2 submitters: Pathogenic (2). Last evaluated 2022-04-07.

Conditions:
Developmental and epileptic encephalopathy, 2 (DEE2). Also called: INFANTILE SPASM SYNDROME, X-LINKED 2; CDKL5 deficiency disorder. Identifiers: Orphanet 1934, Orphanet 3451, Orphanet 505652, MedGen C4750718, MONDO:0010396, OMIM 300672.
Angelman syndrome-like. Identifiers: MedGen CN128785.

Submissions (2):

Labcorp Genetics (formerly Invitae), Labcorp
Classification: Pathogenic for Developmental and epileptic encephalopathy, 2; Angelman syndrome-like. Last evaluated: 2022-04-07. Review status: criteria provided, single submitter. Criteria: Invitae Variant Classification Sherloc (09022015). Collection method: clinical testing. Allele origin: germline.
Comment: For these reasons, this variant has been classified as Pathogenic. This sequence change creates a premature translational stop signal (p.Leu184Alafs*43) in the CDKL5 gene. It is expected to result in an absent or disrupted protein product. Loss-of-function variants in CDKL5 are known to be pathogenic (PMID: 22872100). This variant is not present in population databases (gnomAD no frequency). This premature translational stop signal has been observed in individual(s) with clinical features of CDKL5-related conditions (PMID: 29655203). ClinVar contains an entry for this variant (Variation ID: 156639).

GeneDx
Classification: Pathogenic. Last evaluated: 2013-03-18. Review status: criteria provided, single submitter. Criteria: GeneDx Variant Classification (06012015). Collection method: clinical testing. Allele origin: germline. Affected: yes.
Comment: The c.549_552delACTT mutation in the CDKL5 gene causes a frameshift starting with codon Leucine 184, changes this amino acid to an Alanine residue and creates a premature Stop codon at position 43 of the new reading frame, denoted p.Leu184AlafsX43. This mutation is predicted to cause loss of normal protein function either through protein truncation or nonsense-mediated mRNA decay. Although this mutation has not been previously reported to our knowledge, other frameshift mutations have been reported in CDKL5 in association with epilepsy. The variant is found in INFANT-EPI panel(s).

Literature cited by the submitters: PubMed 22872100 (cited by Labcorp Genetics (formerly Invitae), Labcorp); PubMed 29655203 (cited by Labcorp Genetics (formerly Invitae), Labcorp).

NM_001323289.2(CDKL5):c.549_552del (p.Leu184fs)

Gene: CDKL5 (cyclin dependent kinase like 5; plus strand). Cytogenetic location: Xp22.13.
Variant type: Deletion.
Coding change: c.549_552del on transcript NM_001323289.2 (MANE Select); coding-DNA positions 549 to 552, 4 bases deleted (ACTT; older notation c.549_552delACTT).
Protein change: p.Leu184fs; shifts the reading frame from leucine 184.
Molecular consequence: frameshift variant.
Genome position (GRCh38, 1-based): chrX:18,584,348-18,584,351, ACTT deleted; deleting any 4 consecutive bases within chrX:18,584,345-18,584,351 gives the same sequence; the c. name uses the placement nearest the transcript's 3' end. VCF-style (leftmost placement, unchanged base first): chrX-18584344-TCTTA-T. GRCh37 (hg19) VCF-style: chrX-18602464-TCTTA-T.
Other names: c.549_552del, p.Leu184fs (NM_001037343.2, NM_003159.3); c.549_552delACTT (NM_003159.2); short protein forms L184fs.
Identifiers: ClinVar variation 156639 (VCV000156639.6), dbSNP rs587783111, ClinGen allele CA294678.